The following is an entry in ClinVar:

ClinVar aggregate classification (germline): Uncertain significance. Review status: criteria provided, multiple submitters, no conflicts (2 of 4 stars). 2 submissions from 2 submitters: Uncertain significance (2). Last evaluated 2026-01-25.

Conditions:
Familial cold autoinflammatory syndrome 2 (FCAS2). Identifiers: Orphanet 247868, MedGen C2673198, MONDO:0012724, OMIM 611762.
Inborn genetic diseases. Identifiers: MedGen C0950123, MeSH D030342.

Allele frequency attached by ClinVar (database versions not stated): ExAC 0.00002; gnomAD exomes 0.00002; TOPMed 0.00003; gnomAD 0.00005 and 0.00006.
gnomAD v4.1: 40 of 1,614,048 alleles (0.0025%); highest among the groups gnomAD compares: Non-Finnish European, 0.0032%; no homozygotes.

Submissions (2):

Labcorp Genetics (formerly Invitae), Labcorp
Classification: Uncertain significance for Familial cold autoinflammatory syndrome 2. Last evaluated: 2026-01-25. Review status: criteria provided, single submitter. Criteria: Invitae Variant Classification Sherloc (09022015). Collection method: clinical testing. Allele origin: germline.
Comment: This sequence change replaces phenylalanine, which is neutral and non-polar, with serine, which is neutral and polar, at codon 517 of the NLRP12 protein (p.Phe517Ser). This variant is present in population databases (rs746890522, gnomAD 0.005%). This variant has not been reported in the literature in individuals affected with NLRP12-related conditions. ClinVar contains an entry for this variant (Variation ID: 855781). Invitae Evidence Modeling of protein sequence and biophysical properties (such as structural, functional, and spatial information, amino acid conservation, physicochemical variation, residue mobility, and thermodynamic stability) indicates that this missense variant is expected to disrupt NLRP12 protein function with a positive predictive value of 80%. In summary, the available evidence is currently insufficient to determine the role of this variant in disease. Therefore, it has been classified as a Variant of Uncertain Significance.

Ambry Genetics
Classification: Uncertain significance for Inborn genetic diseases. Last evaluated: 2025-01-08. Review status: criteria provided, single submitter. Criteria: Ambry Variant Classification Scheme 2023. Collection method: clinical testing. Allele origin: germline.

NM_144687.4(NLRP12):c.1550T>C (p.Phe517Ser)

Gene: NLRP12 (NLR family pyrin domain containing 12; minus strand). Cytogenetic location: 19q13.42.
Variant type: single nucleotide variant.
Coding change: c.1550T>C on transcript NM_144687.4 (MANE Select); coding-DNA position 1550, T replaced by C.
Protein change: p.Phe517Ser; replaces phenylalanine 517 with serine.
Molecular consequence: missense variant.
Genome position (GRCh38, 1-based): chr19:53,810,109, A>G on the plus strand (T>C on the coding strand, the complement: NLRP12 is on the minus strand). VCF-style: chr19-53810109-A-G. GRCh37 (hg19) VCF-style: chr19-54313363-A-G.
Other names: c.1550T>C, p.Phe517Ser (NM_001277126.2, NM_001277129.1); c.1550T>C (NM_144687.2); short protein forms F517S.
Identifiers: ClinVar variation 855781 (VCV000855781.10), dbSNP rs746890522, ClinGen allele CA9639404.